The following is an entry in ClinVar:

ClinVar aggregate classification (germline): Uncertain significance. Review status: criteria provided, multiple submitters, no conflicts (2 of 4 stars). 2 submissions from 2 submitters: Uncertain significance (2). Last evaluated 2025-02-01.

Conditions:
Neutropenia, severe congenital, 2, autosomal dominant. Identifiers: Orphanet 486, MedGen C2751288, MONDO:0013139, OMIM 613107.

gnomAD v4.1: 1 of 1,611,838 alleles (0.000062%); highest among the groups gnomAD compares: African/African-American, 0.0013%; no homozygotes.

Submissions (2):

Ambry Genetics
Classification: Uncertain significance. Last evaluated: 2025-02-01. Review status: criteria provided, single submitter. Criteria: Ambry Variant Classification Scheme 2023. Collection method: clinical testing. Allele origin: germline.
Comment: The p.K10R variant (also known as c.29A>G), located in coding exon 1 of the GFI1 gene, results from an A to G substitution at nucleotide position 29. The lysine at codon 10 is replaced by arginine, an amino acid with highly similar properties. This amino acid position is conserved. In addition, this alteration is predicted to be tolerated by in silico analysis. Based on the available evidence, the clinical significance of this variant remains unclear.

Labcorp Genetics (formerly Invitae), Labcorp
Classification: Uncertain significance for Neutropenia, severe congenital, 2, autosomal dominant. Last evaluated: 2024-07-23. Review status: criteria provided, single submitter. Criteria: Invitae Variant Classification Sherloc (09022015). Collection method: clinical testing. Allele origin: germline.
Comment: This sequence change replaces lysine, which is basic and polar, with arginine, which is basic and polar, at codon 10 of the GFI1 protein (p.Lys10Arg). This variant is not present in population databases (gnomAD no frequency). This variant has not been reported in the literature in individuals affected with GFI1-related conditions. An algorithm developed to predict the effect of missense changes on protein structure and function (PolyPhen-2) suggests that this variant is likely to be disruptive. In summary, the available evidence is currently insufficient to determine the role of this variant in disease. Therefore, it has been classified as a Variant of Uncertain Significance.

NM_005263.5(GFI1):c.29A>G (p.Lys10Arg)

Gene: GFI1 (growth factor independent 1 transcriptional repressor; minus strand). Cytogenetic location: 1p22.1.
Variant type: single nucleotide variant.
Coding change: c.29A>G on transcript NM_005263.5 (MANE Select); coding-DNA position 29, A replaced by G.
Protein change: p.Lys10Arg; replaces lysine 10 with arginine.
Molecular consequence: missense variant.
Genome position (GRCh38, 1-based): chr1:92,483,459, T>C on the plus strand (A>G on the coding strand, the complement: GFI1 is on the minus strand). VCF-style: chr1-92483459-T-C. GRCh37 (hg19) VCF-style: chr1-92949016-T-C.
Other names: c.29A>G, p.Lys10Arg (NM_001127215.3, NM_001127216.3); short protein forms K10R.
Identifiers: ClinVar variation 3611529 (VCV003611529.3).